The following is an entry in ClinVar:

ClinVar aggregate classification (germline): Pathogenic/Likely pathogenic. Review status: criteria provided, multiple submitters, no conflicts (2 of 4 stars). 3 submissions from 3 submitters: Pathogenic (1); Likely pathogenic (2). Last evaluated 2024-09-27.

Conditions:
Osteogenesis imperfecta (OI). Identifiers: Orphanet 666, MedGen C0029434, MeSH D010013, MONDO:0019019.

Submissions (3):

GeneDx
Classification: Likely pathogenic. Last evaluated: 2024-09-27. Review status: criteria provided, single submitter. Criteria: GeneDx Variant Classification Process June 2021. Collection method: clinical testing. Allele origin: germline. Affected: yes.
Comment: Initiation codon variant in a gene for which loss of function is a known mechanism of disease; Not observed at significant frequency in large population cohorts (gnomAD); Has not been previously published as pathogenic or benign to our knowledge

Labcorp Genetics (formerly Invitae), Labcorp
Classification: Pathogenic. Last evaluated: 2024-01-12. Review status: criteria provided, single submitter. Criteria: Invitae Variant Classification Sherloc (09022015). Collection method: clinical testing. Allele origin: germline.
Comment: This sequence change affects the initiator methionine of the LRP5 mRNA. The next in-frame methionine is located at codon 165. The frequency data for this variant in the population databases is considered unreliable, as metrics indicate insufficient coverage at this position in the gnomAD database. This variant has not been reported in the literature in individuals affected with LRP5-related conditions. ClinVar contains an entry for this variant (Variation ID: 1702012). This variant disrupts a region of the LRP5 protein in which other variant(s) (p.Trp79Arg) have been determined to be pathogenic (PMID: 25384351, 28192794). This suggests that this is a clinically significant region of the protein, and that variants that disrupt it are likely to be disease-causing. For these reasons, this variant has been classified as Pathogenic.

Genome Diagnostics Laboratory, The Hospital for Sick Children
Classification: Likely pathogenic for Osteogenesis imperfecta. Last evaluated: 2018-10-01. Review status: criteria provided, single submitter. Criteria: ACMG Guidelines, 2015. Collection method: clinical testing. Allele origin: germline.

Literature cited by the submitters: PubMed 25384351 (cited by Labcorp Genetics (formerly Invitae), Labcorp); PubMed 28192794 (cited by Labcorp Genetics (formerly Invitae), Labcorp).

NM_002335.4(LRP5):c.1A>G (p.Met1Val)

Gene: LRP5 (LDL receptor related protein 5; plus strand). Cytogenetic location: 11q13.2.
Variant type: single nucleotide variant.
Coding change: c.1A>G on transcript NM_002335.4 (MANE Select); coding-DNA position 1, A replaced by G.
Protein change: p.Met1Val; changes the start codon (methionine 1).
Molecular consequence: missense variant, initiator codon variant. On other transcripts: 5 prime UTR variant (1).
Genome position (GRCh38, 1-based): chr11:68,312,715, A>G. VCF-style: chr11-68312715-A-G. GRCh37 (hg19) VCF-style: chr11-68080183-A-G.
Other names: c.-1765A>G (NM_001291902.2); c.1A>G (NM_002335.2); short protein forms M1V.
Identifiers: ClinVar variation 1702012 (VCV001702012.8), dbSNP rs2153110162, ClinGen allele CA381607176.